The following is an entry in ClinVar:

NM_000127.3(EXT1):c.351C>G (p.Tyr117Ter)

Gene: EXT1 (exostosin glycosyltransferase 1; minus strand). Cytogenetic location: 8q24.11.
Variant type: single nucleotide variant.
Coding change: c.351C>G on transcript NM_000127.3 (MANE Select); coding-DNA position 351, C replaced by G.
Protein change: p.Tyr117Ter; replaces tyrosine 117 with a stop codon.
Molecular consequence: nonsense.
Genome position (GRCh38, 1-based): chr8:118,110,696, G>C on the plus strand (C>G on the coding strand, the complement: EXT1 is on the minus strand). VCF-style: chr8-118110696-G-C. GRCh37 (hg19) VCF-style: chr8-119122935-G-C.
Other names: short protein forms Y117*.
Identifiers: ClinVar variation 852597 (VCV000852597.9), dbSNP rs982804750, ClinGen allele CA371916043.

ClinVar aggregate classification (germline): Pathogenic (1 of 4 stars; one submission).

Conditions:
Multiple congenital exostosis (EXT). Also called: MULTIPLE CARTILAGINOUS EXOSTOSES; Hereditary multiple exostoses; Hereditary multiple exostosis; Multiple osteochondromas; Hereditary multiple osteochondromas; Multiple exostoses. Identifiers: Orphanet 321, MedGen C0015306, MONDO:0005508, HP:0002762.

Submission:

Labcorp Genetics (formerly Invitae), Labcorp
Classification: Pathogenic for Multiple congenital exostosis. Last evaluated: 2019-11-25. Review status: criteria provided, single submitter. Criteria: Invitae Variant Classification Sherloc (09022015). Collection method: clinical testing. Allele origin: germline.
Comment: This variant is not present in population databases (ExAC no frequency). For these reasons, this variant has been classified as Pathogenic. Loss-of-function variants in EXT1 are known to be pathogenic (PMID: 10679937, 11391482, 19810120). Algorithms developed to predict the effect of sequence changes on RNA splicing suggest that this variant may create or strengthen a splice site, but this prediction has not been confirmed by published transcriptional studies. This variant has been observed in individual(s) with clinical features of hereditary muliple exostosis (PMID:23262345, 28690282). This sequence change creates a premature translational stop signal (p.Tyr117*) in the EXT1 gene. It is expected to result in an absent or disrupted protein product.

Literature cited by the submitters: PubMed 10679937; PubMed 11391482; PubMed 19810120; PubMed 23262345; PubMed 28690282.